The following is an entry in ClinVar:

ClinVar aggregate classification (germline): Uncertain significance. Review status: criteria provided, multiple submitters, no conflicts (2 of 4 stars). 2 submissions from 2 submitters: Uncertain significance (2). Last evaluated 2024-08-14.

Conditions:
Inborn genetic diseases. Identifiers: MedGen C0950123, MeSH D030342.

Allele frequency attached by ClinVar (database versions not stated): gnomAD 0.00001; ExAC 0.00002; gnomAD exomes 0.00002 and 0.00004.
gnomAD v4.1: 64 of 1,614,078 alleles (0.004%); highest among the groups gnomAD compares: Non-Finnish European, 0.0049%; no homozygotes.

Submissions (2):

Ambry Genetics
Classification: Uncertain significance for Inborn genetic diseases. Last evaluated: 2024-08-14. Review status: criteria provided, single submitter. Criteria: Ambry Variant Classification Scheme 2023. Collection method: clinical testing. Allele origin: germline.

Labcorp Genetics (formerly Invitae), Labcorp
Classification: Uncertain significance. Last evaluated: 2021-08-24. Review status: criteria provided, single submitter. Criteria: Invitae Variant Classification Sherloc (09022015). Collection method: clinical testing. Allele origin: germline.
Comment: This sequence change replaces serine with asparagine at codon 913 of the MERTK protein (p.Ser913Asn). The serine residue is highly conserved and there is a small physicochemical difference between serine and asparagine. This variant is present in population databases (rs748743393, ExAC 0.003%). This variant has not been reported in the literature in individuals affected with MERTK-related conditions. Algorithms developed to predict the effect of missense changes on protein structure and function output the following: SIFT: "Deleterious"; PolyPhen-2: "Benign"; Align-GVGD: "Class C45". The asparagine amino acid residue is found in multiple mammalian species, which suggests that this missense change does not adversely affect protein function. In summary, the available evidence is currently insufficient to determine the role of this variant in disease. Therefore, it has been classified as a Variant of Uncertain Significance.

NM_006343.3(MERTK):c.2738G>A (p.Ser913Asn)

Gene: MERTK (MER proto-oncogene, tyrosine kinase; plus strand). Cytogenetic location: 2q13.
Variant type: single nucleotide variant.
Coding change: c.2738G>A on transcript NM_006343.3 (MANE Select); coding-DNA position 2738, G replaced by A.
Protein change: p.Ser913Asn; replaces serine 913 with asparagine.
Molecular consequence: missense variant.
Genome position (GRCh38, 1-based): chr2:112,028,602, G>A. VCF-style: chr2-112028602-G-A. GRCh37 (hg19) VCF-style: chr2-112786179-G-A.
Other names: c.2738G>A (NM_006343.2); short protein forms S913N.
Identifiers: ClinVar variation 1016047 (VCV001016047.7), dbSNP rs748743393, ClinGen allele CA1831960.